The following is an entry in ClinVar:

NM_000051.4(ATM):c.497-20A>G

Gene: ATM (ATM serine/threonine kinase; plus strand). Cytogenetic location: 11q22.3.
Variant type: single nucleotide variant.
Coding change: c.497-20A>G on transcript NM_000051.4 (MANE Select); 20 bases into the intron before coding-DNA position 497, A replaced by G.
Molecular consequence: intron variant.
Genome position (GRCh38, 1-based): chr11:108,243,933, A>G. VCF-style: chr11-108243933-A-G. GRCh37 (hg19) VCF-style: chr11-108114660-A-G.
Other names: c.497-20A>G (NM_001351834.2).
Identifiers: ClinVar variation 3253959 (VCV003253959.1), dbSNP rs2079692832.
Genomic context (GRCh38, chr11:108,243,933, plus strand): 5'-AATATTTAAGTTAAATTGTAACATTTAATACATTTTGATTTTTAAAAAATCATGACTAAT[A>G]ATTTTTTTTTTTTTTTAAGAATTGTTCTCTGTGTACTTCAGGCTCTATCTGAAACCTTCA-3'

ClinVar aggregate classification (germline): Likely benign (1 of 4 stars; one submission).

Conditions:
Familial cancer of breast. Also called: BREAST CANCER, FAMILIAL; Hereditary breast cancer; hereditary breast carcinoma. Identifiers: Orphanet 227535, MedGen C0346153, MONDO:0016419, OMIM 114480. Disease mechanism: loss of function.

Allele frequency attached by ClinVar (database versions not stated): gnomAD 0.00001.

Submission:

Myriad Genetics, Inc.
Classification: Likely benign for Familial cancer of breast. Last evaluated: 2024-04-19. Review status: criteria provided, single submitter. Criteria: Myriad Autosomal Dominant, Autosomal Recessive and X-Linked Classification Criteria (2023). Collection method: clinical testing. Allele origin: unknown.
Comment: This variant is considered likely benign. This variant is intronic and is not expected to impact mRNA splicing.